The following is an entry in ClinVar:

ClinVar aggregate classification (germline): Uncertain significance (1 of 4 stars; one submission).

gnomAD v4.1: 7 of 1,591,334 alleles (0.00044%); highest among the groups gnomAD compares: Admixed American, 0.012%; no homozygotes.

Submission:

Labcorp Genetics (formerly Invitae), Labcorp
Classification: Uncertain significance. Last evaluated: 2022-10-24. Review status: criteria provided, single submitter. Criteria: Invitae Variant Classification Sherloc (09022015). Collection method: clinical testing. Allele origin: germline.
Comment: This sequence change replaces asparagine, which is neutral and polar, with isoleucine, which is neutral and non-polar, at codon 320 of the CNGB3 protein (p.Asn320Ile). This variant is not present in population databases (gnomAD no frequency). This variant has not been reported in the literature in individuals affected with CNGB3-related conditions. ClinVar contains an entry for this variant (Variation ID: 1425299). Advanced modeling of protein sequence and biophysical properties (such as structural, functional, and spatial information, amino acid conservation, physicochemical variation, residue mobility, and thermodynamic stability) performed at Invitae indicates that this missense variant is not expected to disrupt CNGB3 protein function. In summary, the available evidence is currently insufficient to determine the role of this variant in disease. Therefore, it has been classified as a Variant of Uncertain Significance.

NM_019098.5(CNGB3):c.959A>T (p.Asn320Ile)

Gene: CNGB3 (cyclic nucleotide gated channel subunit beta 3; minus strand). Cytogenetic location: 8q21.3.
Variant type: single nucleotide variant.
Coding change: c.959A>T on transcript NM_019098.5 (MANE Select); coding-DNA position 959, A replaced by T.
Protein change: p.Asn320Ile; replaces asparagine 320 with isoleucine.
Molecular consequence: missense variant.
Genome position (GRCh38, 1-based): chr8:86,647,832, T>A on the plus strand (A>T on the coding strand, the complement: CNGB3 is on the minus strand). VCF-style: chr8-86647832-T-A. GRCh37 (hg19) VCF-style: chr8-87660060-T-A.
Other names: short protein forms N320I.
Identifiers: ClinVar variation 1425299 (VCV001425299.4), dbSNP rs879004437, ClinGen allele CA180351434.
Genomic context (GRCh38, chr8:86,647,832, plus strand): 5'-GAAAAGACAATTAAATATAGTTATCTTACCTTTAACATCCTATTTGCTCTAAACATTGGA[T>A]TAAACCCAAAGAAGAGGTAGCAAATATCAAATGGTATTATTGATGCGACATCCAACTGTT-3'
Protein context (NP_061971.3, residues 310-330): FDICYLFFGF[Asn320Ile]PMFRANRMLK